The following is an entry in ClinVar:

NM_022051.3(EGLN1):c.1216G>A (p.Gly406Ser)

Gene: EGLN1 (egl-9 family hypoxia inducible factor 1; minus strand). Cytogenetic location: 1q42.2.
Variant type: single nucleotide variant.
Coding change: c.1216G>A on transcript NM_022051.3 (MANE Select); coding-DNA position 1216, G replaced by A.
Protein change: p.Gly406Ser; replaces glycine 406 with serine.
Molecular consequence: missense variant. On other transcripts: 3 prime UTR variant (1), intron variant (1).
Genome position (GRCh38, 1-based): chr1:231,367,569, C>T on the plus strand (G>A on the coding strand, the complement: EGLN1 is on the minus strand). VCF-style: chr1-231367569-C-T. GRCh37 (hg19) VCF-style: chr1-231503315-C-T.
Other names: c.*41G>A (NM_001377261.1); c.1149-1094G>A (NM_001377260.1); short protein forms G406S.
Identifiers: ClinVar variation 2626693 (VCV002626693.2), dbSNP rs2527218973, ClinGen allele CA345239372.
Genomic context (GRCh38, chr1:231,367,569, plus strand): 5'-GCATCACCTGATTGCAGGGTATTTCTGTACCAATATATCCTGGCCCCAAATGACGTTTAC[C>T]TGTTAGATATTTTACTTTAGCTCGTGCTCTCTCATCTGCATCAAAATACCAAACAGTTAT-3'
Protein context (NP_071334.1, residues 396-416): RARAKVKYLT[Gly406Ser]EKGVRVELNK

ClinVar aggregate classification (germline): Uncertain significance (1 of 4 stars; one submission).

Submission:

Ambry Genetics
Classification: Uncertain significance. Last evaluated: 2023-06-21. Review status: criteria provided, single submitter. Criteria: Ambry Variant Classification Scheme 2023. Collection method: clinical testing. Allele origin: germline.
Comment: The c.1216G>A variant (also known as p.G406S), located in coding exon 4 of the EGLN1 gene, results from a G to A substitution at nucleotide position 1216. The amino acid change results in glycine to serine at codon 406, an amino acid with similar properties. However, this change occurs in the last base pair of coding exon 4, which makes it likely to have some effect on normal mRNA splicing. This nucleotide position is well conserved in available vertebrate species. This amino acid position is well conserved in available vertebrate species. In silico splice site analysis predicts that this alteration will weaken the native splice donor site. In addition, as a missense substitution, this alteration is predicted to be tolerated by in silico analysis. The evidence for this gene-disease relationship is limited; therefore, the clinical significance of this alteration is unclear.